The following is an entry in ClinVar:

NM_001283009.2(RTEL1):c.439del (p.His147fs)

Genes: RTEL1 (regulator of telomere elongation helicase 1; plus strand), RTEL1-TNFRSF6B (RTEL1-TNFRSF6B readthrough (NMD candidate); plus strand). Cytogenetic location: 20q13.33.
Variant type: Deletion.
Coding change: c.439del on transcript NM_001283009.2 (MANE Select); coding-DNA position 439, one base deleted (C; older notation c.439delC).
Protein change: p.His147fs; shifts the reading frame from histidine 147.
Molecular consequence: frameshift variant. On other transcripts: non-coding transcript variant (1), 5 prime UTR variant (1).
Genome position (GRCh38, 1-based): chr20:63,662,589, C deleted; the last of 2 consecutive C bases (chr20:63,662,588-63,662,589); deleting either gives the same sequence. VCF-style (leftmost placement, unchanged base first): chr20-63662587-TC-T. GRCh37 (hg19) VCF-style: chr20-62293940-TC-T.
Other names: c.-231del (NM_001283010.1); c.439del, p.His147fs (NM_016434.4); c.511del, p.His171fs (NM_032957.5); short protein forms H147fs, H171fs.
Identifiers: ClinVar variation 1676799 (VCV001676799.2), dbSNP rs2146153953, ClinGen allele CA2573157190.

ClinVar aggregate classification (germline): Pathogenic (1 of 4 stars; one submission).

Submission:

Centre of Medical Genetics, University Hospital Muenster
Classification: Pathogenic. Last evaluated: 2022-02-09. Review status: criteria provided, single submitter. Criteria: ACMG Guidelines, 2015. Collection method: clinical testing. Allele origin: germline. Affected: yes. Observed: 1 variant allele, 1 heterozygote.
Comment: ACMG categories: PVS1,PM2,PP3